The following is an entry in ClinVar:

NM_153026.3(PRICKLE1):c.1648G>A (p.Val550Met)

Gene: PRICKLE1 (prickle planar cell polarity protein 1; minus strand). Cytogenetic location: 12q12.
Variant type: single nucleotide variant.
Coding change: c.1648G>A on transcript NM_153026.3 (MANE Select); coding-DNA position 1648, G replaced by A.
Protein change: p.Val550Met; replaces valine 550 with methionine.
Molecular consequence: missense variant.
Genome position (GRCh38, 1-based): chr12:42,460,657, C>T on the plus strand (G>A on the coding strand, the complement: PRICKLE1 is on the minus strand). VCF-style: chr12-42460657-C-T. GRCh37 (hg19) VCF-style: chr12-42854459-C-T.
Other names: c.1648G>A, p.Val550Met (NM_001144881.2, NM_001144882.2, NM_001144883.2); short protein forms V550M.
Identifiers: ClinVar variation 537240 (VCV000537240.7), dbSNP rs760050261, ClinGen allele CA6519706.

ClinVar aggregate classification (germline): Uncertain significance. Review status: criteria provided, multiple submitters, no conflicts (2 of 4 stars). 2 submissions from 2 submitters: Uncertain significance (2). Last evaluated 2025-06-27.

Conditions:
Epilepsy, progressive myoclonic, 1B. Also called: PME. Identifiers: Orphanet 308, MedGen C2676254, MONDO:0012904, OMIM 612437.

Allele frequency attached by ClinVar (database versions not stated): TOPMed 0.00003; ExAC 0.00003; gnomAD exomes 0.00003.
gnomAD v4.1: 50 of 1,608,900 alleles (0.0031%); highest among the groups gnomAD compares: Non-Finnish European, 0.0036%; no homozygotes.

Submissions (2):

GeneDx
Classification: Uncertain significance. Last evaluated: 2025-06-27. Review status: criteria provided, single submitter. Criteria: GeneDx Variant Classification Process June 2021. Collection method: clinical testing. Allele origin: germline. Affected: yes.
Comment: The V550M variant has been previously reported in a patient with myelomeningocele (PMID: 21901791); In silico analysis suggests that this missense variant does not alter protein structure/function; Not observed at significant frequency in large population cohorts (gnomAD); This variant is associated with the following publications: (PMID: 24307374, 34426522, 30345727, 31035234, 21901791)

Labcorp Genetics (formerly Invitae), Labcorp
Classification: Uncertain significance for Epilepsy, progressive myoclonic, 1B. Last evaluated: 2022-06-05. Review status: criteria provided, single submitter. Criteria: Invitae Variant Classification Sherloc (09022015). Collection method: clinical testing. Allele origin: germline.
Comment: This sequence change replaces valine, which is neutral and non-polar, with methionine, which is neutral and non-polar, at codon 550 of the PRICKLE1 protein (p.Val550Met). This variant is present in population databases (rs760050261, gnomAD 0.007%). This variant has not been reported in the literature in individuals affected with PRICKLE1-related conditions. ClinVar contains an entry for this variant (Variation ID: 537240). Algorithms developed to predict the effect of missense changes on protein structure and function (SIFT, PolyPhen-2, Align-GVGD) all suggest that this variant is likely to be tolerated. In summary, the available evidence is currently insufficient to determine the role of this variant in disease. Therefore, it has been classified as a Variant of Uncertain Significance.